The following is an entry in ClinVar:

NM_001165963.4(SCN1A):c.4002+2199G>C

Genes: SCN1A (sodium voltage-gated channel alpha subunit 1; minus strand), LOC102724058 (uncharacterized LOC102724058; plus strand). Cytogenetic location: 2q24.3.
Variant type: single nucleotide variant.
Coding change: c.4002+2199G>C on transcript NM_001165963.4 (MANE Select); 2199 bases into the intron after coding-DNA position 4002, G replaced by C.
Molecular consequence: intron variant.
Genome position (GRCh38, 1-based): chr2:166,007,520, C>G on the plus strand (G>C on the coding strand, the complement: SCN1A is on the minus strand). VCF-style: chr2-166007520-C-G. GRCh37 (hg19) VCF-style: chr2-166864030-C-G.
Other names: c.3969+2199G>C (NM_001353949.2, NM_001353950.2, NM_001353951.2 and 2 more transcripts); c.3918+2199G>C (NM_001353958.2, NM_001353957.2, NM_001165964.3); c.4002+2199G>C (NM_001202435.3, NM_001353948.2); c.3966+2199G>C (NM_001353955.2, NM_001353954.2); c.3915+2199G>C (NM_001353960.2); c.1560+2199G>C (NM_001353961.2).
Identifiers: ClinVar variation 1625609 (VCV001625609.9), dbSNP rs1048104424, ClinGen allele CA59771650.

ClinVar aggregate classification (germline): Uncertain significance (1 of 4 stars; one submission).

Conditions:
Early-infantile DEE. Also called: Ohtahara syndrome; Early infantile epileptic encephalopathy; Early infantile epileptic encephalopathy with suppression bursts. Identifiers: Orphanet 1934, MedGen C0393706, MONDO:0800491.

Allele frequency attached by ClinVar (database versions not stated): gnomAD 0.00001; TOPMed 0.00001.
gnomAD v4.1: 2 of 151,304 alleles (0.0013%); highest among the groups gnomAD compares: Non-Finnish European, 0.003%; no homozygotes.

Submission:

Labcorp Genetics (formerly Invitae), Labcorp
Classification: Uncertain significance for Early-infantile DEE. Last evaluated: 2025-10-02. Review status: criteria provided, single submitter. Criteria: Invitae Variant Classification Sherloc (09022015). Collection method: clinical testing. Allele origin: germline.
Comment: This sequence change falls in intron 20 of the SCN1A gene. It does not directly change the encoded amino acid sequence of the SCN1A protein. However, this sequence change falls within a region encompassing a cryptic exon in the SCN1A gene, in which variants have been shown to alter splicing (PMID: 30526861, 34107977). This variant is not present in population databases (gnomAD no frequency). This variant has not been reported in the literature in individuals affected with SCN1A-related conditions. ClinVar contains an entry for this variant (Variation ID: 1625609). Algorithms developed to predict the effect of sequence changes on RNA splicing suggest that this variant is not likely to affect RNA splicing. In summary, the available evidence is currently insufficient to determine the role of this variant in disease. Therefore, it has been classified as a Variant of Uncertain Significance.

Literature cited by the submitters: PubMed 30526861; PubMed 34107977.